The following is an entry in ClinVar:

NM_001377229.1(DISP1):c.1681A>G (p.Thr561Ala)

Gene: DISP1 (dispatched RND transporter family member 1; plus strand). Cytogenetic location: 1q41.
Variant type: single nucleotide variant.
Coding change: c.1681A>G on transcript NM_001377229.1 (MANE Select); coding-DNA position 1681, A replaced by G.
Protein change: p.Thr561Ala; replaces threonine 561 with alanine.
Molecular consequence: missense variant.
Genome position (GRCh38, 1-based): chr1:223,003,078, A>G. VCF-style: chr1-223003078-A-G. GRCh37 (hg19) VCF-style: chr1-223176420-A-G.
Other names: c.952A>G, p.Thr318Ala (NM_001350630.2); c.1681A>G, p.Thr561Ala (NM_001369594.1, NM_001377228.1, NM_032890.5); short protein forms T318A, T561A.
Identifiers: ClinVar variation 1305875 (VCV001305875.2), dbSNP rs2102797984, ClinGen allele CA344679764.

ClinVar aggregate classification (germline): Uncertain significance (1 of 4 stars; one submission).

Submission:

GeneDx
Classification: Uncertain significance. Last evaluated: 2019-05-23. Review status: criteria provided, single submitter. Criteria: GeneDx Variant Classification Process June 2021. Collection method: clinical testing. Allele origin: germline. Affected: yes.
Comment: Not observed in large population cohorts (Lek et al., 2016); In silico analysis, which includes protein predictors and evolutionary conservation, supports that this variant does not alter protein structure/function; Has not been previously published as pathogenic or benign to our knowledge